The following is an entry in ClinVar:

ClinVar aggregate classification (germline): Benign/Likely benign. Review status: criteria provided, multiple submitters, no conflicts (2 of 4 stars). 5 submissions from 5 submitters: Benign (3); Likely benign (2). Last evaluated 2024-11-26.

Conditions:
Platelet-type bleeding disorder 9 (BDPLT9). Also called: GLYCOPROTEIN Ia DEFICIENCY; GP Ia DEFICIENCY; COLLAGEN PLATELET RECEPTOR DEFICIENCY. Identifiers: Orphanet 73271, Orphanet 98886, MedGen C3280114, MONDO:0013622, OMIM 614200.

Allele frequency attached by ClinVar (database versions not stated): 1000 Genomes Project 0.00120; 1000 Genomes Project 30x 0.00125; gnomAD exomes 0.00309 and 0.00632; ExAC 0.00310; gnomAD 0.00396 and 0.00421; TOPMed 0.00420; ESP Exome Variant Server 0.00523.
gnomAD v4.1: 9,828 of 1,613,672 alleles (0.61%); highest among the groups gnomAD compares: Non-Finnish European, 0.78%; 36 homozygotes.

Submissions (5):

Blueprint Genetics
Classification: Likely benign. Last evaluated: 2024-11-26. Review status: criteria provided, single submitter. Criteria: ACMG Guidelines, 2015. Collection method: clinical testing. Allele origin: germline.

CeGaT Center for Human Genetics Tuebingen
Classification: Likely benign. Last evaluated: 2024-10-01. Review status: criteria provided, single submitter. Criteria: CeGaT Center For Human Genetics Tuebingen Variant Classification Criteria Version 2. Collection method: clinical testing. Allele origin: germline. Affected: yes. Observed: 1 variant allele.
Comment: ITGA2: BP4, BP7, BS2

Labcorp Genetics (formerly Invitae), Labcorp
Classification: Benign. Last evaluated: 2019-12-31. Review status: criteria provided, single submitter. Criteria: Invitae Variant Classification Sherloc (09022015). Collection method: clinical testing. Allele origin: germline.

Illumina Laboratory Services, Illumina
Classification: Benign for Platelet-type bleeding disorder 9. Last evaluated: 2018-01-13. Review status: criteria provided, single submitter. Criteria: ICSL Variant Classification Criteria 13 December 2019. Collection method: clinical testing. Allele origin: germline.
Comment: This variant was observed in the ICSL laboratory as part of a predisposition screen in an ostensibly healthy population. It had not been previously curated by ICSL or reported in the Human Gene Mutation Database (HGMD: prior to June 1st, 2018), and was therefore a candidate for classification through an automated scoring system. Utilizing variant allele frequency, disease prevalence and penetrance estimates, and inheritance mode, an automated score was calculated to assess if this variant is too frequent to cause the disease. Based on the score and internal cut-off values, a variant classified as benign is not then subjected to further curation. The score for this variant resulted in a classification of benign for this disease.

Breakthrough Genomics
Classification: Benign. Review status: criteria provided, single submitter. Criteria: ACMG Guidelines, 2015. Collection method: not provided. Allele origin: germline. Inheritance: Unknown mechanism. Affected: yes.

NM_002203.4(ITGA2):c.756A>C (p.Thr252=)

Gene: ITGA2 (integrin subunit alpha 2; plus strand). Cytogenetic location: 5q11.2.
Variant type: single nucleotide variant.
Coding change: c.756A>C on transcript NM_002203.4 (MANE Select); coding-DNA position 756, A replaced by C.
Protein change: p.Thr252=; no amino-acid change (threonine 252 retained).
Molecular consequence: synonymous variant. On other transcripts: non-coding transcript variant (5).
Genome position (GRCh38, 1-based): chr5:53,051,536, A>C. VCF-style: chr5-53051536-A-C. GRCh37 (hg19) VCF-style: chr5-52347366-A-C.
Identifiers: ClinVar variation 353740 (VCV000353740.24), dbSNP rs61737774, ClinGen allele CA3262696.